The following is an entry in ClinVar:

NM_004100.5(EYA4):c.127G>A (p.Gly43Arg)

Gene: EYA4 (EYA transcriptional coactivator and phosphatase 4; plus strand). Cytogenetic location: 6q23.2.
Variant type: single nucleotide variant.
Coding change: c.127G>A on transcript NM_004100.5 (MANE Select); coding-DNA position 127, G replaced by A.
Protein change: p.Gly43Arg; replaces glycine 43 with arginine.
Molecular consequence: missense variant.
Genome position (GRCh38, 1-based): chr6:133,446,673, G>A. VCF-style: chr6-133446673-G-A. GRCh37 (hg19) VCF-style: chr6-133767811-G-A.
Other names: c.127G>A, p.Gly43Arg (NM_001301012.2, NM_001301013.2, NM_001370458.1 and 3 more transcripts); short protein forms G43R.
Identifiers: ClinVar variation 3653347 (VCV003653347.2).

ClinVar aggregate classification (germline): Uncertain significance (1 of 4 stars; one submission).

Conditions:
Dilated cardiomyopathy 1J (CMD1J). Also called: CARDIOMYOPATHY, DILATED, WITH SENSORINEURAL HEARING LOSS, AUTOSOMAL DOMINANT. Identifiers: Orphanet 217622, MedGen C1854368, MONDO:0011541, OMIM 605362.

Submission:

Labcorp Genetics (formerly Invitae), Labcorp
Classification: Uncertain significance for Dilated cardiomyopathy 1J. Last evaluated: 2024-09-06. Review status: criteria provided, single submitter. Criteria: Invitae Variant Classification Sherloc (09022015). Collection method: clinical testing. Allele origin: germline.
Comment: This sequence change replaces glycine, which is neutral and non-polar, with arginine, which is basic and polar, at codon 43 of the EYA4 protein (p.Gly43Arg). This variant is not present in population databases (gnomAD no frequency). This variant has not been reported in the literature in individuals affected with EYA4-related conditions. An algorithm developed to predict the effect of missense changes on protein structure and function (PolyPhen-2) suggests that this variant is likely to be disruptive. In summary, the available evidence is currently insufficient to determine the role of this variant in disease. Therefore, it has been classified as a Variant of Uncertain Significance.